The following is an entry in ClinVar:

NM_001145026.2(PTPRQ):c.4630A>T (p.Asn1544Tyr)

Gene: PTPRQ (protein tyrosine phosphatase receptor type Q; plus strand). Cytogenetic location: 12q21.31.
Variant type: single nucleotide variant.
Coding change: c.4630A>T on transcript NM_001145026.2 (MANE Select); coding-DNA position 4630, A replaced by T.
Protein change: p.Asn1544Tyr; replaces asparagine 1544 with tyrosine.
Molecular consequence: missense variant.
Genome position (GRCh38, 1-based): chr12:80,605,079, A>T. VCF-style: chr12-80605079-A-T. GRCh37 (hg19) VCF-style: chr12-80998858-A-T.
Other names: short protein forms N1544Y.
Identifiers: ClinVar variation 3342993 (VCV003342993.1).

ClinVar aggregate classification (germline): Uncertain significance (1 of 4 stars; one submission).

gnomAD v4.1: 2 of 1,542,374 alleles (0.00013%); highest among the groups gnomAD compares: East Asian, 0.0025%; no homozygotes.

Submission:

GeneDx
Classification: Uncertain significance. Last evaluated: 2023-04-10. Review status: criteria provided, single submitter. Criteria: GeneDx Variant Classification Process June 2021. Collection method: clinical testing. Allele origin: germline. Affected: yes.
Comment: Not observed at significant frequency in large population cohorts (gnomAD); In silico analysis supports that this missense variant has a deleterious effect on protein structure/function; Has not been previously published as pathogenic or benign to our knowledge